The following is an entry in ClinVar:

ClinVar aggregate classification (germline): Uncertain significance (1 of 4 stars; one submission).

Allele frequency attached by ClinVar (database versions not stated): gnomAD exomes below 0.00001; ExAC 0.00001.

Submission:

Ambry Genetics
Classification: Uncertain significance. Last evaluated: 2019-12-27. Review status: criteria provided, single submitter. Criteria: Ambry Variant Classification Scheme 2023. Collection method: clinical testing. Allele origin: germline.
Comment: The p.F228Y variant (also known as c.683T>A), located in coding exon 7 of the IKBKAP gene, results from a T to A substitution at nucleotide position 683. The phenylalanine at codon 228 is replaced by tyrosine, an amino acid with highly similar properties. This amino acid position is not well conserved in available vertebrate species. In addition, this alteration is predicted to be tolerated by in silico analysis. Since supporting evidence is limited at this time, the clinical significance of this alteration remains unclear.

NM_003640.5(ELP1):c.683T>A (p.Phe228Tyr)

Gene: ELP1 (elongator acetyltransferase complex subunit 1; minus strand). Cytogenetic location: 9q31.3.
Variant type: single nucleotide variant.
Coding change: c.683T>A on transcript NM_003640.5 (MANE Select); coding-DNA position 683, T replaced by A.
Protein change: p.Phe228Tyr; replaces phenylalanine 228 with tyrosine.
Molecular consequence: missense variant. On other transcripts: intron variant (1).
Genome position (GRCh38, 1-based): chr9:108,918,868, A>T on the plus strand (T>A on the coding strand, the complement: ELP1 is on the minus strand). VCF-style: chr9-108918868-A-T. GRCh37 (hg19) VCF-style: chr9-111681148-A-T.
Other names: c.341T>A, p.Phe114Tyr (NM_001318360.2); c.-307-1198T>A (NM_001330749.2); short protein forms F114Y, F228Y.
Identifiers: ClinVar variation 1800423 (VCV001800423.2), dbSNP rs750173937, ClinGen allele CA5175264.